The following is an entry in ClinVar:

NM_007294.4(BRCA1):c.5278-5T>G

Gene: BRCA1 (BRCA1 DNA repair associated; minus strand). Cytogenetic location: 17q21.31.
Variant type: single nucleotide variant.
Coding change: c.5278-5T>G on transcript NM_007294.4 (MANE Select); 5 bases into the intron before coding-DNA position 5278, T replaced by G.
Molecular consequence: intron variant.
Genome position (GRCh38, 1-based): chr17:43,051,122, A>C on the plus strand (T>G on the coding strand, the complement: BRCA1 is on the minus strand). VCF-style: chr17-43051122-A-C. GRCh37 (hg19) VCF-style: chr17-41203139-A-C.
Other names: c.5008-5T>G (NM_001407934.1, NM_001407935.1, NM_001407936.1); c.1705-5T>G (NM_001408497.1, NM_001408496.1, NM_001408499.1 and 3 more transcripts); c.1969-5T>G (NM_001407973.1, NM_001407975.1, NM_001407978.1 and 3 more transcripts); c.5278-5T>G (NM_001407596.1, NM_001407602.1, NM_001407597.1 and 6 more transcripts); c.4390-5T>G (NM_001407966.1); c.4891-5T>G (NM_001407963.1); c.1585-5T>G (NM_001408511.1); c.1828-5T>G (NM_001408457.1, NM_001408454.1, NM_001408456.1 and 3 more transcripts); and 74 more.
Identifiers: ClinVar variation 867945 (VCV000867945.3), dbSNP rs2051216016, ClinGen allele CA916081052.

Conditions:
Breast-ovarian cancer, familial, susceptibility to, 1 (BROVCA1). Also called: BRCA1 Hereditary Breast and Ovarian Cancer; OVARIAN CANCER, SUSCEPTIBILITY TO. Identifiers: Orphanet 145, MedGen C2676676, MONDO:0011450, OMIM 604370. Disease mechanism: loss of function.

Submission:

Brotman Baty Institute, University of Washington
No classification provided (evidence only). Condition: Breast-ovarian cancer, familial 1. Review status: no classification provided. Collection method: in vitro. Allele origin: not applicable. Functional consequence: functionally_normal.
ClinVar note: "not provided" was previously submitted as the classification for the variant. However, the classification appeared to be based only on an observation of functional data so it was converted to no classification on 2025-07-30.